The following is an entry in ClinVar:

ClinVar aggregate classification (germline): Uncertain significance. Review status: criteria provided, multiple submitters, no conflicts (2 of 4 stars). 3 submissions from 3 submitters: Uncertain significance (3). Last evaluated 2024-06-17.

Conditions:
Progressive sclerosing poliodystrophy (MTDPS4A). Also called: NEURONAL DEGENERATION OF CHILDHOOD WITH LIVER DISEASE, PROGRESSIVE; ALPERS PROGRESSIVE INFANTILE POLIODYSTROPHY; Alpers-Huttenlocher Syndrome (AHS); Mitochondrial DNA depletion syndrome 4A (Alpers type); Mitochondrial DNA Depletion Syndrome 4A; Alpers Syndrome. Identifiers: Orphanet 726, MedGen C0205710, MONDO:0008758, OMIM 203700.
Inborn genetic diseases. Identifiers: MedGen C0950123, MeSH D030342.

Submissions (3):

Ambry Genetics
Classification: Uncertain significance for Inborn genetic diseases. Last evaluated: 2024-06-17. Review status: criteria provided, single submitter. Criteria: Ambry Variant Classification Scheme 2023. Collection method: clinical testing. Allele origin: germline.

Labcorp Genetics (formerly Invitae), Labcorp
Classification: Uncertain significance for Progressive sclerosing poliodystrophy. Last evaluated: 2023-05-11. Review status: criteria provided, single submitter. Criteria: Invitae Variant Classification Sherloc (09022015). Collection method: clinical testing. Allele origin: germline.
Comment: In summary, the available evidence is currently insufficient to determine the role of this variant in disease. Therefore, it has been classified as a Variant of Uncertain Significance. Advanced modeling of protein sequence and biophysical properties (such as structural, functional, and spatial information, amino acid conservation, physicochemical variation, residue mobility, and thermodynamic stability) performed at Invitae indicates that this missense variant is expected to disrupt POLG protein function. ClinVar contains an entry for this variant (Variation ID: 448108). This variant has not been reported in the literature in individuals affected with POLG-related conditions. This variant is not present in population databases (gnomAD no frequency). This sequence change replaces valine, which is neutral and non-polar, with leucine, which is neutral and non-polar, at codon 187 of the POLG protein (p.Val187Leu).

Athena Diagnostics
Classification: Uncertain significance. Last evaluated: 2016-09-12. Review status: criteria provided, single submitter. Criteria: Athena Diagnostics Criteria. Collection method: clinical testing. Allele origin: germline.

NM_002693.3(POLG):c.559G>C (p.Val187Leu)

Genes: POLGARF (POLG alternative reading frame; minus strand), POLG (DNA polymerase gamma, catalytic subunit; minus strand). Cytogenetic location: 15q26.1.
Variant type: single nucleotide variant.
Coding change: c.559G>C on transcript NM_002693.3 (MANE Select); coding-DNA position 559, G replaced by C.
Protein change: p.Val187Leu; replaces valine 187 with leucine.
Molecular consequence: missense variant.
Genome position (GRCh38, 1-based): chr15:89,333,196, C>G on the plus strand (G>C on the coding strand, the complement: POLG is on the minus strand). VCF-style: chr15-89333196-C-G. GRCh37 (hg19) VCF-style: chr15-89876427-C-G.
Other names: c.559G>C, p.Val187Leu (NM_001126131.2); short protein forms V187L.
Identifiers: ClinVar variation 448108 (VCV000448108.5), dbSNP rs1555454261, ClinGen allele CA393770828.